The following is an entry in ClinVar:

ClinVar aggregate classification (germline): Likely benign. Review status: criteria provided, multiple submitters, no conflicts (2 of 4 stars). 3 submissions from 3 submitters: Likely benign (3). Last evaluated 2025-12-16.

Conditions:
Charcot-Marie-Tooth disease axonal type 2S. Also called: CHARCOT-MARIE-TOOTH NEUROPATHY, TYPE 2S; CHARCOT-MARIE-TOOTH DISEASE, AXONAL, AUTOSOMAL RECESSIVE, TYPE 2S. Identifiers: Orphanet 443073, MedGen C4015349, MONDO:0014511, OMIM 616155.
Autosomal recessive distal spinal muscular atrophy 1. Also called: NEURONOPATHY, DISTAL HEREDITARY MOTOR, HARDING TYPE VI; NEUROPATHY, DISTAL HEREDITARY MOTOR, AUTOSOMAL RECESSIVE 1; Spinal muscular atrophy with respiratory distress 1; NEURONOPATHY, SEVERE INFANTILE AXONAL, WITH RESPIRATORY FAILURE; SEVERE INFANTILE AXONAL NEUROPATHY WITH RESPIRATORY FAILURE; SPINAL MUSCULAR ATROPHY, DIAPHRAGMATIC. Identifiers: Orphanet 98920, MedGen C1858517, MONDO:0011436, OMIM 604320.
Charcot-Marie-Tooth disease. Also called: Charcot-Marie-Tooth Neuropathy; Charcot-Marie-Tooth Hereditary Neuropathy. Identifiers: Orphanet 166, MedGen C0007959, MONDO:0015626.

Allele frequency attached by ClinVar (database versions not stated): ESP Exome Variant Server 0.00008; gnomAD 0.00014 and 0.00015; gnomAD exomes 0.00014 and 0.00016; TOPMed 0.00014; ExAC 0.00015.
gnomAD v4.1: 221 of 1,613,748 alleles (0.014%); highest among the groups gnomAD compares: South Asian, 0.033%; no homozygotes.

Submissions (3):

Labcorp Genetics (formerly Invitae), Labcorp
Classification: Likely benign for Autosomal recessive distal spinal muscular atrophy 1; Charcot-Marie-Tooth disease axonal type 2S. Last evaluated: 2025-12-16. Review status: criteria provided, single submitter. Criteria: Invitae Variant Classification Sherloc (09022015). Collection method: clinical testing. Allele origin: germline.

GeneDx
Classification: Likely benign. Last evaluated: 2017-05-08. Review status: criteria provided, single submitter. Criteria: GeneDx Variant Classification (06012015). Collection method: clinical testing. Allele origin: germline. Affected: yes.
Comment: This variant is considered likely benign or benign based on one or more of the following criteria: it is a conservative change, it occurs at a poorly conserved position in the protein, it is predicted to be benign by multiple in silico algorithms, and/or has population frequency not consistent with disease.

Molecular Genetics Laboratory, London Health Sciences Centre
Classification: Likely benign for Charcot-Marie-Tooth disease. Review status: criteria provided, single submitter. Criteria: ACMG Guidelines, 2015. Collection method: clinical testing. Allele origin: germline. Affected: yes.

NM_002180.3(IGHMBP2):c.2612-16C>T

Gene: IGHMBP2 (immunoglobulin mu DNA binding protein 2; plus strand). Cytogenetic location: 11q13.3.
Variant type: single nucleotide variant.
Coding change: c.2612-16C>T on transcript NM_002180.3 (MANE Select); 16 bases into the intron before coding-DNA position 2612, C replaced by T.
Molecular consequence: intron variant.
Genome position (GRCh38, 1-based): chr11:68,938,166, C>T. VCF-style: chr11-68938166-C-T. GRCh37 (hg19) VCF-style: chr11-68705634-C-T.
Identifiers: ClinVar variation 379557 (VCV000379557.10), dbSNP rs200337900, ClinGen allele CA6153965.